The following is an entry in ClinVar:

NM_001793.6(CDH3):c.996+13C>T

Gene: CDH3 (cadherin 3; plus strand). Cytogenetic location: 16q22.1.
Variant type: single nucleotide variant.
Coding change: c.996+13C>T on transcript NM_001793.6 (MANE Select); 13 bases into the intron after coding-DNA position 996, C replaced by T.
Molecular consequence: intron variant.
Genome position (GRCh38, 1-based): chr16:68,681,109, C>T. VCF-style: chr16-68681109-C-T. GRCh37 (hg19) VCF-style: chr16-68715012-C-T.
Other names: c.831+13C>T (NM_001317196.2); c.996+13C>T (NM_001317195.3).
Identifiers: ClinVar variation 884780 (VCV000884780.15), dbSNP rs114408705, ClinGen allele CA8129210.

ClinVar aggregate classification (germline): Benign/Likely benign. Review status: criteria provided, multiple submitters, no conflicts (2 of 4 stars). 3 submissions from 3 submitters: Benign (2); Likely benign (1). Last evaluated 2026-01-29.

Conditions:
EEM syndrome (EEMS). Identifiers: Orphanet 1897, MedGen C1857041, MONDO:0009155, OMIM 225280.

Allele frequency attached by ClinVar (database versions not stated): gnomAD exomes 0.00046 and 0.00130; ExAC 0.00155; gnomAD 0.00531 and 0.00573; 1000 Genomes Project 0.00579; TOPMed 0.00596; ESP Exome Variant Server 0.00631; 1000 Genomes Project 30x 0.00640.
gnomAD v4.1: 1,531 of 1,613,762 alleles (0.095%); highest among the groups gnomAD compares: African/African-American, 1.8%; 16 homozygotes.

Submissions (3):

Labcorp Genetics (formerly Invitae), Labcorp
Classification: Benign. Last evaluated: 2026-01-29. Review status: criteria provided, single submitter. Criteria: Invitae Variant Classification Sherloc (09022015). Collection method: clinical testing. Allele origin: germline.

GeneDx
Classification: Likely benign. Last evaluated: 2018-07-05. Review status: criteria provided, single submitter. Criteria: GeneDx Variant Classification Process June 2021. Collection method: clinical testing. Allele origin: germline. Affected: yes.

Illumina Laboratory Services, Illumina
Classification: Benign for EEM syndrome. Last evaluated: 2018-01-13. Review status: criteria provided, single submitter. Criteria: ICSL Variant Classification Criteria 13 December 2019. Collection method: clinical testing. Allele origin: germline.
Comment: This variant was observed in the ICSL laboratory as part of a predisposition screen in an ostensibly healthy population. It had not been previously curated by ICSL or reported in the Human Gene Mutation Database (HGMD: prior to June 1st, 2018), and was therefore a candidate for classification through an automated scoring system. Utilizing variant allele frequency, disease prevalence and penetrance estimates, and inheritance mode, an automated score was calculated to assess if this variant is too frequent to cause the disease. Based on the score and internal cut-off values, a variant classified as benign is not then subjected to further curation. The score for this variant resulted in a classification of benign for this disease.